The following is an entry in ClinVar:

NM_018368.4(LMBRD1):c.915+205T>G

Gene: LMBRD1 (LMBR1 domain containing 1; minus strand). Cytogenetic location: 6q13.
Variant type: single nucleotide variant.
Coding change: c.915+205T>G on transcript NM_018368.4 (MANE Select); 205 bases into the intron after coding-DNA position 915, T replaced by G.
Molecular consequence: intron variant.
Genome position (GRCh38, 1-based): chr6:69,713,440, A>C on the plus strand (T>G on the coding strand, the complement: LMBRD1 is on the minus strand). VCF-style: chr6-69713440-A-C. GRCh37 (hg19) VCF-style: chr6-70423332-A-C.
Other names: c.696+205T>G (NM_001367272.1, NM_001367271.1, NM_001363722.2).
Identifiers: ClinVar variation 1696915 (VCV001696915.2), dbSNP rs6938122, ClinGen allele CA140852007.

ClinVar aggregate classification (germline): Likely benign (1 of 4 stars; one submission).

Allele frequency attached by ClinVar (database versions not stated): gnomAD 0.01324 and 0.01404; TOPMed 0.01462; 1000 Genomes Project 0.01498; 1000 Genomes Project 30x 0.01702.
gnomAD v4.1: 1,990 of 152,176 alleles (1.3%); highest among the groups gnomAD compares: African/African-American, 4.6%; 40 homozygotes.

Submission:

GeneDx
Classification: Likely benign. Last evaluated: 2021-09-23. Review status: criteria provided, single submitter. Criteria: GeneDx Variant Classification Process June 2021. Collection method: clinical testing. Allele origin: germline. Affected: yes.
Comment: See Variant Classification Assertion Criteria.